The following is an entry in ClinVar:

NM_001849.4(COL6A2):c.1116+221G>A

Gene: COL6A2 (collagen type VI alpha 2 chain; plus strand). Cytogenetic location: 21q22.3.
Variant type: single nucleotide variant.
Coding change: c.1116+221G>A on transcript NM_001849.4 (MANE Select); 221 bases into the intron after coding-DNA position 1116, G replaced by A.
Molecular consequence: intron variant.
Genome position (GRCh38, 1-based): chr21:46,118,157, G>A. VCF-style: chr21-46118157-G-A. GRCh37 (hg19) VCF-style: chr21-47538071-G-A.
Other names: c.1116+221G>A (NM_058175.3, NM_058174.3).
Identifiers: ClinVar variation 679213 (VCV000679213.1), dbSNP rs12483267, ClinGen allele CA14888068.

ClinVar aggregate classification (germline): Benign (1 of 4 stars; one submission).

Allele frequency attached by ClinVar (database versions not stated): 1000 Genomes Project 30x 0.61071; 1000 Genomes Project 0.61861; gnomAD 0.64517 and 0.64750; TOPMed 0.64547.
gnomAD v4.1: 98,542 of 151,904 alleles (65%); highest among the groups gnomAD compares: East Asian, 81%; 33,891 homozygotes.

Submission:

GeneDx
Classification: Benign. Last evaluated: 2018-06-14. Review status: criteria provided, single submitter. Criteria: GeneDx Variant Classification (06012015). Collection method: clinical testing. Allele origin: germline. Affected: yes.
Comment: This variant is considered likely benign or benign based on one or more of the following criteria: it is a conservative change, it occurs at a poorly conserved position in the protein, it is predicted to be benign by multiple in silico algorithms, and/or has population frequency not consistent with disease.